The following is an entry in ClinVar:

ClinVar aggregate classification (germline): Uncertain significance (1 of 4 stars; one submission).

Allele frequency attached by ClinVar (database versions not stated): gnomAD exomes below 0.00001.
gnomAD v4.1: 2 of 1,613,948 alleles (0.00012%); highest among the groups gnomAD compares: South Asian, 0.0022%; no homozygotes.

Submission:

Labcorp Genetics (formerly Invitae), Labcorp
Classification: Uncertain significance. Last evaluated: 2022-02-05. Review status: criteria provided, single submitter. Criteria: Invitae Variant Classification Sherloc (09022015). Collection method: clinical testing. Allele origin: germline.
Comment: This variant has not been reported in the literature in individuals affected with TRAF3IP1-related conditions. In summary, the available evidence is currently insufficient to determine the role of this variant in disease. Therefore, it has been classified as a Variant of Uncertain Significance. Algorithms developed to predict the effect of missense changes on protein structure and function output the following: SIFT: "Deleterious"; PolyPhen-2: "Benign"; Align-GVGD: "Class C0". The threonine amino acid residue is found in multiple mammalian species, which suggests that this missense change does not adversely affect protein function. This variant is not present in population databases (gnomAD no frequency). This sequence change replaces alanine, which is neutral and non-polar, with threonine, which is neutral and polar, at codon 391 of the TRAF3IP1 protein (p.Ala391Thr).

NM_015650.4(TRAF3IP1):c.1171G>A (p.Ala391Thr)

Gene: TRAF3IP1 (TRAF3 interacting protein 1; plus strand). Cytogenetic location: 2q37.3.
Variant type: single nucleotide variant.
Coding change: c.1171G>A on transcript NM_015650.4 (MANE Select); coding-DNA position 1171, G replaced by A.
Protein change: p.Ala391Thr; replaces alanine 391 with threonine.
Molecular consequence: missense variant. On other transcripts: intron variant (1).
Genome position (GRCh38, 1-based): chr2:238,344,508, G>A. VCF-style: chr2-238344508-G-A. GRCh37 (hg19) VCF-style: chr2-239253149-G-A.
Other names: c.1064-2947G>A (NM_001139490.1); short protein forms A391T.
Identifiers: ClinVar variation 1491607 (VCV001491607.8), dbSNP rs764320525, ClinGen allele CA351250925.